The following is an entry in ClinVar:

ClinVar aggregate classification (germline): Uncertain significance. Review status: criteria provided, multiple submitters, no conflicts (2 of 4 stars). 2 submissions from 2 submitters: Uncertain significance (2). Last evaluated 2024-02-09.

Conditions:
Brugada syndrome. Also called: Sudden Unexplained Death Syndrome; Sudden Unexplained Nocturnal Death Syndrome (SUNDS); Sudden unexpected nocturnal death syndrome; Sudden unexplained nocturnal death syndrome. Identifiers: Orphanet 130, MedGen C1142166, MONDO:0015263.
Cardiovascular phenotype. Identifiers: MedGen CN230736.

gnomAD v4.1: 7 of 1,565,378 alleles (0.00045%); highest among the groups gnomAD compares: Non-Finnish European, 0.00061%; no homozygotes.

Submissions (2):

Ambry Genetics
Classification: Uncertain significance for Cardiovascular phenotype. Last evaluated: 2024-02-09. Review status: criteria provided, single submitter. Criteria: Ambry Variant Classification Scheme 2023. Collection method: clinical testing. Allele origin: germline.
Comment: The p.P773S variant (also known as c.2317C>T), located in coding exon 29 of the CACNA2D1 gene, results from a C to T substitution at nucleotide position 2317. The proline at codon 773 is replaced by serine, an amino acid with similar properties. This amino acid position is conserved. In addition, this alteration is predicted to be tolerated by in silico analysis. Based on the available evidence, the clinical significance of this alteration remains unclear.

Labcorp Genetics (formerly Invitae), Labcorp
Classification: Uncertain significance for Brugada syndrome. Last evaluated: 2023-05-08. Review status: criteria provided, single submitter. Criteria: Invitae Variant Classification Sherloc (09022015). Collection method: clinical testing. Allele origin: germline.
Comment: This sequence change replaces proline, which is neutral and non-polar, with serine, which is neutral and polar, at codon 773 of the CACNA2D1 protein (p.Pro773Ser). This variant is not present in population databases (gnomAD no frequency). This variant has not been reported in the literature in individuals affected with CACNA2D1-related conditions. ClinVar contains an entry for this variant (Variation ID: 947893). Algorithms developed to predict the effect of missense changes on protein structure and function output the following: SIFT: "Not Available"; PolyPhen-2: "Benign"; Align-GVGD: "Not Available". The serine amino acid residue is found in multiple mammalian species, which suggests that this missense change does not adversely affect protein function. In summary, the available evidence is currently insufficient to determine the role of this variant in disease. Therefore, it has been classified as a Variant of Uncertain Significance.

NM_000722.4(CACNA2D1):c.2317C>T (p.Pro773Ser)

Gene: CACNA2D1 (calcium voltage-gated channel auxiliary subunit alpha2delta 1; minus strand). Cytogenetic location: 7q21.11.
Variant type: single nucleotide variant.
Coding change: c.2317C>T on transcript NM_000722.4 (MANE Select); coding-DNA position 2317, C replaced by T.
Protein change: p.Pro773Ser; replaces proline 773 with serine.
Molecular consequence: missense variant.
Genome position (GRCh38, 1-based): chr7:81,968,965, G>A on the plus strand (C>T on the coding strand, the complement: CACNA2D1 is on the minus strand). VCF-style: chr7-81968965-G-A. GRCh37 (hg19) VCF-style: chr7-81598281-G-A.
Other names: c.2353C>T, p.Pro785Ser (NM_001366867.1); c.2317C>T (NM_000722.2); short protein forms P773S, P785S.
Identifiers: ClinVar variation 947893 (VCV000947893.8), dbSNP rs1268971839, ClinGen allele CA367890239.
Genomic context (GRCh38, chr7:81,968,965, plus strand): 5'-TCCCTTGAATATATATTTCTACAGCTTTGCTTACCATAATGCCCGATTCATAGGCACCAG[G>A]TCCACTTTCTAAAAAAAAAATAAATAAATAAAACACCTATCAAGATATATTGAATAATAA-3'
Protein context (NP_000713.2, residues 763-783): FTAPYFNKSG[Pro773Ser]GAYESGIMVS